The following is an entry in ClinVar:

ClinVar aggregate classification (germline): Uncertain significance. Review status: criteria provided, multiple submitters, no conflicts (2 of 4 stars). 4 submissions from 4 submitters: Uncertain significance (2). 2 of the submissions do not count toward it. Last evaluated 2020-11-13.

Conditions:
beta Thalassemia (BTHAL). Also called: Cooley's anemia; Erythroblastic anemia; Mediterranean anemia. Identifiers: Orphanet 848, MedGen C0005283, MONDO:0019402. Disease mechanism: loss of function.
HEMOGLOBIN J (LOME).

Submissions (4):

Quest Diagnostics Nichols Institute San Juan Capistrano
Classification: Uncertain significance. Last evaluated: 2020-11-13. Review status: criteria provided, single submitter. Criteria: Quest Diagnostics criteria. Collection method: clinical testing. Allele origin: unknown.

ARUP Laboratories, Molecular Genetics and Genomics, ARUP Laboratories
Classification: Uncertain significance. Last evaluated: 2018-09-13. Review status: criteria provided, single submitter. Criteria: ARUP Molecular Germline Variant Investigation Process. Collection method: clinical testing. Allele origin: germline.
Comment: The HBB c.180G>C; Lys59Asn variant (rs34621955), also known as Hb J-Lome, is reported in the literature in the heterozygous state in individuals with no clinical symptoms (see link to HbVar and references therein). This variant is reported in ClinVar (Variation ID: 15224), and is absent from general population databases (1000 Genomes Project, Exome Variant Server, and Genome Aggregation Database), indicating it is not a common polymorphism. The lysine at codon 59 is highly conserved, and computational analyses (SIFT, PolyPhen-2) predict that this variant is deleterious. Due to limited information, the clinical significance of the Hb J-Lome variant is uncertain at this time. References: Link to HbVar for Hb J-Lome

Natera, Inc.
Classification: Uncertain significance for Beta thalassemia. Last evaluated: 2020-09-16. Review status: no assertion criteria provided. Collection method: clinical testing. Allele origin: germline. Not counted in ClinVar's aggregate classification.

OMIM
Classification: other for HEMOGLOBIN J (LOME). Last evaluated: 2017-12-12. Review status: no assertion criteria provided. Collection method: literature only. Allele origin: germline. Not counted in ClinVar's aggregate classification.

Literature cited by the submitters: PubMed 598514 (cited by Quest Diagnostics Nichols Institute San Juan Capistrano and OMIM); PubMed 457426 (cited by Quest Diagnostics Nichols Institute San Juan Capistrano); PubMed 2703367 (cited by Quest Diagnostics Nichols Institute San Juan Capistrano and OMIM); PubMed 9846016 (cited by Quest Diagnostics Nichols Institute San Juan Capistrano).

NM_000518.5(HBB):c.180G>C (p.Lys60Asn)

Genes: HBB (hemoglobin subunit beta; minus strand), LOC106099062 (HBB recombination region; plus strand), LOC107133510 (origin of replication at HBB; plus strand). Cytogenetic location: 11p15.4.
Variant type: single nucleotide variant.
Coding change: c.180G>C on transcript NM_000518.5 (MANE Select); coding-DNA position 180, G replaced by C.
Protein change: p.Lys60Asn; replaces lysine 60 with asparagine.
Molecular consequence: missense variant.
Genome position (GRCh38, 1-based): chr11:5,226,712, C>G on the plus strand (G>C on the coding strand, the complement: HBB is on the minus strand). VCF-style: chr11-5226712-C-G. GRCh37 (hg19) VCF-style: chr11-5247942-C-G.
Other names: K59N; c.180G>C (NM_000518.4); short protein forms K60N.
Identifiers: ClinVar variation 15224 (VCV000015224.12), dbSNP rs34621955, ClinGen allele CA124957.
Genomic context (GRCh38, chr11:5,226,712, plus strand): 5'-GTCCAGGTGAGCCAGGCCATCACTAAAGGCACCGAGCACTTTCTTGCCATGAGCCTTCAC[C>G]TTAGGGTTGCCCATAACAGCATCAGGAGTGGACAGATCCCCAAAGGACTCAAAGAACCTC-3'
Protein context (NP_000509.1, residues 50-70): STPDAVMGNP[Lys60Asn]VKAHGKKVLG